The following is an entry in ClinVar:

ClinVar aggregate classification (germline): Uncertain significance (0 of 4 stars; one submission).

Allele frequency attached by ClinVar (database versions not stated): gnomAD exomes below 0.00001.

Submission:

Richard Lifton Laboratory, Yale University School of Medicine
Classification: Uncertain significance. Review status: no assertion criteria provided. Collection method: not provided. Allele origin: somatic.
Comment: FZD4
ClinVar note: Converted during submission from unknown to Uncertain significance.

NM_012193.4(FZD4):c.362G>T (p.Cys121Phe)

Genes: FZD4 (frizzled class receptor 4; minus strand), PRSS23 (serine protease 23; plus strand). Cytogenetic location: 11q14.2.
Variant type: single nucleotide variant.
Coding change: c.362G>T on transcript NM_012193.4 (MANE Select); coding-DNA position 362, G replaced by T.
Protein change: p.Cys121Phe; replaces cysteine 121 with phenylalanine.
Molecular consequence: missense variant. On other transcripts: non-coding transcript variant (2).
Genome position (GRCh38, 1-based): chr11:86,952,394, C>A on the plus strand (G>T on the coding strand, the complement: FZD4 is on the minus strand). VCF-style: chr11-86952394-C-A. GRCh37 (hg19) VCF-style: chr11-86663436-C-A.
Other names: short protein forms C121F.
Identifiers: ClinVar variation 91975 (VCV000091975.2), dbSNP rs386352303, ClinGen allele CA232277.